The following is an entry in ClinVar:

ClinVar aggregate classification (germline): Conflicting classifications of pathogenicity. Review status: criteria provided, conflicting classifications (1 of 4 stars). 7 submissions from 7 submitters: Uncertain significance (5); Likely benign (2). Last evaluated 2026-07-01.

Conditions:
CHAT-related disorder. Also called: CHAT-related condition.
Familial infantile myasthenia (CMS6). Also called: MYASTHENIC SYNDROME, PRESYNAPTIC, CONGENITAL, ASSOCIATED WITH EPISODIC APNEA; MYASTHENIC SYNDROME, CONGENITAL, 6, PRESYNAPTIC; Congenital myasthenic syndrome type 6. Identifiers: Orphanet 590, MedGen C0393929, MONDO:0009689, OMIM 254210.

Allele frequency attached by ClinVar (database versions not stated): gnomAD exomes 0.00016; ExAC 0.00019; 1000 Genomes Project 0.00020; 1000 Genomes Project 30x 0.00031; ESP Exome Variant Server 0.00062; gnomAD 0.00074 and 0.00082; TOPMed 0.00095.

Submissions (7):

CeGaT Center for Human Genetics Tuebingen
Classification: Uncertain significance. Last evaluated: 2026-07-01. Review status: criteria provided, single submitter. Criteria: CeGaT Center For Human Genetics Tuebingen Variant Classification Criteria Version 2. Collection method: clinical testing. Allele origin: germline. Affected: yes. Observed: 1 variant allele.
Comment: CHAT: PM2:Supporting, PP3

PreventionGenetics, part of Exact Sciences
Classification: Likely benign for CHAT-related condition. Last evaluated: 2026-06-18. Review status: criteria provided, single submitter. Criteria: ACMG Guidelines, 2015. Collection method: clinical testing. Allele origin: germline.
Comment: This variant is classified as likely benign based on ACMG/AMP sequence variant interpretation guidelines (Richards et al. 2015 PMID: 25741868, with internal and published modifications).

Labcorp Genetics (formerly Invitae), Labcorp
Classification: Likely benign for Familial infantile myasthenia. Last evaluated: 2026-01-16. Review status: criteria provided, single submitter. Criteria: Invitae Variant Classification Sherloc (09022015). Collection method: clinical testing. Allele origin: germline.

Blueprint Genetics
Classification: Uncertain significance. Last evaluated: 2024-09-02. Review status: criteria provided, single submitter. Criteria: ACMG Guidelines, 2015. Collection method: clinical testing. Allele origin: germline.

Mayo Clinic Laboratories, Mayo Clinic
Classification: Uncertain significance. Last evaluated: 2023-12-29. Review status: criteria provided, single submitter. Criteria: ACMG Guidelines, 2015. Collection method: clinical testing. Allele origin: germline. Observed: 1 variant allele.
Comment: BS1, PP3

GeneDx
Classification: Uncertain significance. Last evaluated: 2021-07-30. Review status: criteria provided, single submitter. Criteria: GeneDx Variant Classification Process June 2021. Collection method: clinical testing. Allele origin: germline. Affected: yes.
Comment: In silico analysis supports that this missense variant does not alter protein structure/function; Has not been previously published as pathogenic or benign to our knowledge

Revvity Omics, Revvity
Classification: Uncertain significance for Familial infantile myasthenia. Last evaluated: 2019-02-20. Review status: criteria provided, single submitter. Criteria: ACMG Guidelines, 2015. Collection method: clinical testing. Allele origin: germline.

NM_020549.5(CHAT):c.1069G>A (p.Gly357Arg)

Gene: CHAT (choline O-acetyltransferase; plus strand). Cytogenetic location: 10q11.23.
Variant type: single nucleotide variant.
Coding change: c.1069G>A on transcript NM_020549.5 (MANE Select); coding-DNA position 1069, G replaced by A.
Protein change: p.Gly357Arg; replaces glycine 357 with arginine.
Molecular consequence: missense variant.
Genome position (GRCh38, 1-based): chr10:49,627,743, G>A. VCF-style: chr10-49627743-G-A. GRCh37 (hg19) VCF-style: chr10-50835789-G-A.
Other names: p.Gly357Arg; c.715G>A, p.Gly239Arg (NM_001142929.2, NM_001142934.2, NM_020984.4 and 2 more transcripts); c.823G>A, p.Gly275Arg (NM_001142933.2); short protein forms G357R, G239R, G275R.
Identifiers: ClinVar variation 461445 (VCV000461445.23), dbSNP rs61731735, ClinGen allele CA5497346.
Genomic context (GRCh38, chr10:49,627,743, plus strand): 5'-GTCAAAATGGCTTCCAACGAGGACGAGCGTTTGCCTCCAATTGGCCTGCTGACGTCTGAC[G>A]GGAGGAGCGAGTGGGCCGAGGCCAGGACGGTCCTCGTGAAAGGTCAGCCGCAGTGCCCAG-3'
Protein context (NP_065574.4, residues 347-367): LPPIGLLTSD[Gly357Arg]RSEWAEARTV